The following is an entry in ClinVar:

ClinVar aggregate classification (germline): Benign/Likely benign. Review status: criteria provided, multiple submitters, no conflicts (2 of 4 stars). 6 submissions from 6 submitters: Benign (2); Likely benign (3). 1 of the submissions does not count toward it. Last evaluated 2026-02-02.

Conditions:
SDHA-related disorder. Also called: SDHA-related disorders; SDHA-related condition.
Pheochromocytoma/paraganglioma syndrome 5. Also called: SDHA-Related Hereditary Paraganglioma-Pheochromocytoma Syndrome; Paragangliomas 5. Identifiers: Orphanet 29072, MedGen C3279992, MONDO:0013602, OMIM 614165.
Mitochondrial complex II deficiency, nuclear type 1. Also called: SUCCINATE CoQ REDUCTASE DEFICIENCY. Identifiers: Orphanet 3208, MedGen C5700310, MONDO:0100294, OMIM 252011.
Hereditary cancer-predisposing syndrome. Also called: Neoplastic Syndromes, Hereditary; Hereditary Cancer Syndrome; Tumor predisposition; Hereditary neoplastic syndrome. Identifiers: Orphanet 140162, MedGen C0027672, MeSH D009386, MONDO:0015356.
Neurodegeneration with ataxia and late-onset optic atrophy. Identifiers: MedGen C5543254, MONDO:0031006, OMIM 619259.
Dilated cardiomyopathy 1GG (CMD1GG). Identifiers: Orphanet 154, MedGen C3150898, MONDO:0013339, OMIM 613642.

Allele frequency attached by ClinVar (database versions not stated): gnomAD 0.00001; ExAC 0.02089.

Submissions (6):

Labcorp Genetics (formerly Invitae), Labcorp
Classification: Benign for Pheochromocytoma/paraganglioma syndrome 5; Mitochondrial complex II deficiency, nuclear type 1. Last evaluated: 2026-02-02. Review status: criteria provided, single submitter. Criteria: Invitae Variant Classification Sherloc (09022015). Collection method: clinical testing. Allele origin: germline.

Blueprint Genetics
Classification: Likely benign. Last evaluated: 2024-11-26. Review status: criteria provided, single submitter. Criteria: ACMG Guidelines, 2015. Collection method: clinical testing. Allele origin: germline.

Department of Pathology and Laboratory Medicine, Sinai Health System
Classification: Likely benign for Mitochondrial complex II deficiency, nuclear type 1; Dilated cardiomyopathy 1GG; Pheochromocytoma/paraganglioma syndrome 5; Neurodegeneration with ataxia and late-onset optic atrophy. Last evaluated: 2023-11-08. Review status: criteria provided, single submitter. Criteria: ACMG Guidelines, 2015. Collection method: clinical testing. Allele origin: germline. Affected: yes.

Sema4
Classification: Likely benign for Hereditary cancer-predisposing syndrome. Last evaluated: 2021-02-18. Review status: criteria provided, single submitter. Criteria: Sema4 Curation Guidelines. Collection method: curation. Allele origin: germline.

Breakthrough Genomics
Classification: Benign. Review status: criteria provided, single submitter. Criteria: ACMG Guidelines, 2015. Collection method: not provided. Allele origin: germline. Inheritance: Autosomal recessive inheritance. Affected: yes.

PreventionGenetics, part of Exact Sciences
Classification: Likely benign for SDHA-related condition. Last evaluated: 2022-04-27. Review status: no assertion criteria provided. Collection method: clinical testing. Allele origin: germline. Not counted in ClinVar's aggregate classification.
Comment: This variant is classified as likely benign based on ACMG/AMP sequence variant interpretation guidelines (Richards et al. 2015 PMID: 25741868, with internal and published modifications).

NM_004168.4(SDHA):c.1371C>A (p.Leu457=)

Gene: SDHA (succinate dehydrogenase complex flavoprotein subunit A; plus strand). Cytogenetic location: 5p15.33.
Variant type: single nucleotide variant.
Coding change: c.1371C>A on transcript NM_004168.4 (MANE Select); coding-DNA position 1371, C replaced by A.
Protein change: p.Leu457=; no amino-acid change (leucine 457 retained).
Molecular consequence: synonymous variant.
Genome position (GRCh38, 1-based): chr5:236,538, C>A. VCF-style: chr5-236538-C-A. GRCh37 (hg19) VCF-style: chr5-236653-C-A.
Other names: c.1227C>A, p.Leu409= (NM_001294332.2); c.1371C>A, p.Leu457= (NM_001330758.2).
Identifiers: ClinVar variation 1165616 (VCV001165616.15), dbSNP rs75091805, ClinGen allele CA3173209.
Genomic context (GRCh38, chr5:236,538, plus strand): 5'-CTGTGGGGAGGCCGCCTGTGCCTCGGTACATGGTGCCAACCGCCTCGGGGCAAACTCGCT[C>A]TTGGACCTGGTTGTCTTTGGTCGGGCATGTGCCCTGAGCATCGAAGAGTCATGCAGGCCT-3'
Protein context (NP_004159.2, residues 447-467): HGANRLGANS[Leu457=]LDLVVFGRAC